The following is an entry in ClinVar:

ClinVar aggregate classification (germline): Uncertain significance (1 of 4 stars; one submission).

Conditions:
Adenylosuccinate lyase deficiency (ADSLD). Also called: ADSL DEFICIENCY. Identifiers: Orphanet 46, MedGen C0268126, MONDO:0007068, OMIM 103050.

Submission:

Labcorp Genetics (formerly Invitae), Labcorp
Classification: Uncertain significance for Adenylosuccinate lyase deficiency. Last evaluated: 2022-07-05. Review status: criteria provided, single submitter. Criteria: Invitae Variant Classification Sherloc (09022015). Collection method: clinical testing. Allele origin: germline.
Comment: This variant occurs in a non-coding region of the ADSL gene. It does not change the encoded amino acid sequence of the ADSL protein. This variant is not present in population databases (gnomAD no frequency). This variant has not been reported in the literature in individuals affected with ADSL-related conditions. Experimental studies and prediction algorithms are not available or were not evaluated, and the functional significance of this variant is currently unknown. In summary, the available evidence is currently insufficient to determine the role of this variant in disease. Therefore, it has been classified as a Variant of Uncertain Significance.

NC_000022.11:g.40346453G>C

Gene: ADSL (adenylosuccinate lyase; plus strand). Cytogenetic location: 22q13.1.
Variant type: single nucleotide variant.
Genome position: GRCh38 VCF-style: chr22-40346453-G-C. GRCh37 (hg19) VCF-style: chr22-40742457-G-C.
Identifiers: ClinVar variation 2161241 (VCV002161241.2), dbSNP rs2518076943, ClinGen allele CA2580099861.